The following is an entry in ClinVar:

ClinVar aggregate classification (germline): Uncertain significance (1 of 4 stars; one submission).

Submission:

GeneDx
Classification: Uncertain significance. Last evaluated: 2017-07-21. Review status: criteria provided, single submitter. Criteria: GeneDx Variant Classification (06012015). Collection method: clinical testing. Allele origin: germline. Affected: yes.
Comment: The N170K variant in the SIX1 gene has not been reported previously as a pathogenic variant, nor as a benign variant, to our knowledge. The N170K variant is not observed in large population cohorts (Lek et al., 2016; 1000 Genomes Consortium et al., 2015; Exome Variant Server). The N170K variant is a semi-conservative amino acid substitution, which may impact secondary protein structure as these residues differ in some properties. This substitution occurs at a position that is conserved across species. In silico analysis predicts this variant is probably damaging to the protein structure/function. We interpret N170K as a variant of uncertain significance.

NM_005982.4(SIX1):c.510C>A (p.Asn170Lys)

Genes: SIX1 (SIX homeobox 1; minus strand), MIR9718 (microRNA 9718; plus strand). Cytogenetic location: 14q23.1.
Variant type: single nucleotide variant.
Coding change: c.510C>A on transcript NM_005982.4 (MANE Select); coding-DNA position 510, C replaced by A.
Protein change: p.Asn170Lys; replaces asparagine 170 with lysine.
Molecular consequence: missense variant. On other transcripts: non-coding transcript variant (1).
Genome position (GRCh38, 1-based): chr14:60,648,680, G>T on the plus strand (C>A on the coding strand, the complement: SIX1 is on the minus strand). VCF-style: chr14-60648680-G-T. GRCh37 (hg19) VCF-style: chr14-61115398-G-T.
Other names: short protein forms N170K.
Identifiers: ClinVar variation 450530 (VCV000450530.2), dbSNP rs1555366309, ClinGen allele CA389910162.